The following is an entry in ClinVar:

NM_006648.4(WNK2):c.1682C>A (p.Pro561Gln)

Gene: WNK2 (WNK lysine deficient protein kinase 2; plus strand). Cytogenetic location: 9q22.31.
Variant type: single nucleotide variant.
Coding change: c.1682C>A on transcript NM_006648.4 (MANE Select); coding-DNA position 1682, C replaced by A.
Protein change: p.Pro561Gln; replaces proline 561 with glutamine.
Molecular consequence: missense variant.
Genome position (GRCh38, 1-based): chr9:93,247,682, C>A. VCF-style: chr9-93247682-C-A. GRCh37 (hg19) VCF-style: chr9-96009964-C-A.
Other names: c.1682C>A, p.Pro561Gln (NM_001282394.3); short protein forms P561Q.
Identifiers: ClinVar variation 3470504 (VCV003470504.1).

ClinVar aggregate classification (germline): Uncertain significance (1 of 4 stars; one submission).

Submission:

Ambry Genetics
Classification: Uncertain significance. Last evaluated: 2024-11-28. Review status: criteria provided, single submitter. Criteria: Ambry Variant Classification Scheme 2023. Collection method: clinical testing. Allele origin: germline.
Comment: The p.P561Q variant (also known as c.1682C>A), located in coding exon 7 of the WNK2 gene, results from a C to A substitution at nucleotide position 1682. The proline at codon 561 is replaced by glutamine, an amino acid with similar properties. This amino acid position is conserved. In addition, this alteration is predicted to be tolerated by in silico analysis. Based on the available evidence, the clinical significance of this variant remains unclear.